The following is an entry in ClinVar:

ClinVar aggregate classification (germline): Uncertain significance. Review status: criteria provided, multiple submitters, no conflicts (2 of 4 stars). 2 submissions from 2 submitters: Uncertain significance (2). Last evaluated 2024-09-04.

Conditions:
Hereditary sensory and autonomic neuropathy type 7. Also called: Neuropathy, hereditary sensory and autonomic, type VII; HSAN VII. Identifiers: Orphanet 391397, MedGen C3809882, MONDO:0014244, OMIM 615548.
Familial episodic pain syndrome with predominantly lower limb involvement. Also called: Episodic pain syndrome, familial, 3. Identifiers: Orphanet 391384, Orphanet 391392, MedGen C3809899, MONDO:0014247, OMIM 615552.

Allele frequency attached by ClinVar (database versions not stated): TOPMed below 0.00001; gnomAD 0.00001.
gnomAD v4.1: 15 of 1,613,980 alleles (0.00093%); highest among the groups gnomAD compares: Non-Finnish European, 0.0013%; no homozygotes.

Submissions (2):

Labcorp Genetics (formerly Invitae), Labcorp
Classification: Uncertain significance for Familial episodic pain syndrome with predominantly lower limb involvement; Hereditary sensory and autonomic neuropathy type 7. Last evaluated: 2024-09-04. Review status: criteria provided, single submitter. Criteria: Invitae Variant Classification Sherloc (09022015). Collection method: clinical testing. Allele origin: germline.
Comment: This sequence change replaces threonine, which is neutral and polar, with asparagine, which is neutral and polar, at codon 901 of the SCN11A protein (p.Thr901Asn). This variant is present in population databases (no rsID available, gnomAD 0.007%). This variant has not been reported in the literature in individuals affected with SCN11A-related conditions. ClinVar contains an entry for this variant (Variation ID: 2435666). Invitae Evidence Modeling of protein sequence and biophysical properties (such as structural, functional, and spatial information, amino acid conservation, physicochemical variation, residue mobility, and thermodynamic stability) indicates that this missense variant is not expected to disrupt SCN11A protein function with a negative predictive value of 80%. In summary, the available evidence is currently insufficient to determine the role of this variant in disease. Therefore, it has been classified as a Variant of Uncertain Significance.

Revvity Omics, Revvity
Classification: Uncertain significance. Last evaluated: 2021-04-21. Review status: criteria provided, single submitter. Criteria: ACMG Guidelines, 2015. Collection method: clinical testing. Allele origin: germline.

NM_001349253.2(SCN11A):c.2702C>A (p.Thr901Asn)

Gene: SCN11A (sodium voltage-gated channel alpha subunit 11; minus strand). Cytogenetic location: 3p22.2.
Variant type: single nucleotide variant.
Coding change: c.2702C>A on transcript NM_001349253.2 (MANE Select); coding-DNA position 2702, C replaced by A.
Protein change: p.Thr901Asn; replaces threonine 901 with asparagine.
Molecular consequence: missense variant.
Genome position (GRCh38, 1-based): chr3:38,894,666, G>T on the plus strand (C>A on the coding strand, the complement: SCN11A is on the minus strand). VCF-style: chr3-38894666-G-T. GRCh37 (hg19) VCF-style: chr3-38936157-G-T.
Other names: c.2702C>A, p.Thr901Asn (NM_014139.3); short protein forms T901N.
Identifiers: ClinVar variation 2435666 (VCV002435666.5), dbSNP rs1333364240, ClinGen allele CA352174567.
Genomic context (GRCh38, chr3:38,894,666, plus strand): 5'-TCCGCAAGTGGTGCCAACCAAGTCCAATCATGCCTGACGCCCAGGGTCTTTGGTACAGAG[G>T]TTAGTATACCAAGCTCCTCCTGGGTCTCTGAGCCCCTTTTCATCTCCATGACCAGGGGAA-3'
Protein context (NP_001336182.1, residues 891-911): SETQEELGIL[Thr901Asn]SVPKTLGVRH